The following is an entry in ClinVar:

ClinVar aggregate classification (germline): Conflicting classifications of pathogenicity. Review status: criteria provided, conflicting classifications (1 of 4 stars). 3 submissions from 2 submitters: Pathogenic (1); Likely pathogenic (1); Uncertain significance (1). Last evaluated 2025-04-24.

Conditions:
Proteosome-associated autoinflammatory syndrome. Also called: Proteasome-associated autoinflammatory syndrome. Identifiers: Orphanet 324977, MedGen C1850568, MONDO:0009726.
Proteasome-associated autoinflammatory syndrome 1 (PRAAS1). Also called: JOINT CONTRACTURES, MUSCULAR ATROPHY, MICROCYTIC ANEMIA, AND PANNICULITIS-INDUCED LIPODYSTROPHY; JMP SYNDROME; Nakajo syndrome; AUTOINFLAMMATION, LIPODYSTROPHY, AND DERMATOSIS SYNDROME; NAKAJO-NISHIMURA SYNDROME; CHRONIC ATYPICAL NEUTROPHILIC DERMATOSIS WITH LIPODYSTROPHY AND ELEVATED TEMPERATURE SYNDROME. Identifiers: Orphanet 2615, Orphanet 324977, Orphanet 324999, Orphanet 325004, MedGen C4746851, MONDO:0054698, OMIM 256040.

Submissions (3):

Laboratorio de Genetica e Diagnostico Molecular, Hospital Israelita Albert Einstein
Classification: Likely pathogenic for Proteasome-associated autoinflammatory syndrome 1. Last evaluated: 2025-04-24. Review status: criteria provided, single submitter. Criteria: ACMG Guidelines, 2015. Collection method: clinical testing. Allele origin: germline. Affected: yes.
Comment: ACMG classification criteria: PVS1 very strong, PM2 supporting

Labcorp Genetics (formerly Invitae), Labcorp
Classification: Pathogenic for Proteosome-associated autoinflammatory syndrome. Last evaluated: 2024-05-31. Review status: criteria provided, single submitter. Criteria: Invitae Variant Classification Sherloc (09022015). Collection method: clinical testing. Allele origin: germline.
Comment: This sequence change creates a premature translational stop signal (p.Arg11Profs*58) in the PSMB8 gene. It is expected to result in an absent or disrupted protein product. Loss-of-function variants in PSMB8 are known to be pathogenic (PMID: 26524591). This variant is present in population databases (rs775701157, gnomAD 0.003%). This variant has not been reported in the literature in individuals affected with PSMB8-related conditions. ClinVar contains an entry for this variant (Variation ID: 1691062). For these reasons, this variant has been classified as Pathogenic.

Laboratorio de Genetica e Diagnostico Molecular, Hospital Israelita Albert Einstein
Classification: Uncertain significance. Last evaluated: 2022-03-13. Review status: criteria provided, single submitter. Criteria: ACMG Guidelines, 2015. Collection method: clinical testing. Allele origin: germline. Affected: yes.
Comment: ACMG classification criteria: PM2

Literature cited by the submitters: PubMed 26524591 (cited by Labcorp Genetics (formerly Invitae), Labcorp).

NM_148919.4(PSMB8):c.31dup (p.Arg11fs)

Gene: PSMB8 (proteasome 20S subunit beta 8; minus strand). Cytogenetic location: 6p21.32.
Variant type: Duplication.
Coding change: c.31dup on transcript NM_148919.4 (MANE Select); coding-DNA position 31, one base duplicated (C; older notation c.31dupC).
Protein change: p.Arg11fs; shifts the reading frame from arginine 11.
Molecular consequence: frameshift variant. On other transcripts: intron variant (1).
Genome position (GRCh38, 1-based): chr6:32,843,966, G duplicated on the plus strand (C on the coding strand, the reverse complement: PSMB8 is on the minus strand); the first of 6 consecutive G bases (chr6:32,843,966-32,843,971); duplicating any one gives the same sequence. VCF-style (leftmost placement, unchanged base first): chr6-32843965-C-CG. GRCh37 (hg19) VCF-style: chr6-32811742-C-CG.
Other names: c.135+313dup (NM_004159.5); c.31dupC (NM_148919.4); short protein forms R11fs.
Identifiers: ClinVar variation 1691062 (VCV001691062.8), dbSNP rs775701157, ClinGen allele CA3746514.